The following is an entry in ClinVar:

ClinVar aggregate classification (germline): Uncertain significance (1 of 4 stars; one submission).

Conditions:
Inborn genetic diseases. Identifiers: MedGen C0950123, MeSH D030342.

Submission:

Ambry Genetics
Classification: Uncertain significance for Inborn genetic diseases. Last evaluated: 2024-08-12. Review status: criteria provided, single submitter. Criteria: Ambry Variant Classification Scheme 2023. Collection method: clinical testing. Allele origin: germline.
Comment: The p.R1711L variant (also known as c.5132G>T), located in coding exon 35 of the LRRK2 gene, results from a G to T substitution at nucleotide position 5132. The arginine at codon 1711 is replaced by leucine, an amino acid with dissimilar properties. This amino acid position is conserved. In addition, this alteration is predicted to be deleterious by in silico analysis. Based on the available evidence, the clinical significance of this variant remains unclear.

NM_198578.4(LRRK2):c.5132G>T (p.Arg1711Leu)

Gene: LRRK2 (leucine rich repeat kinase 2; plus strand). Cytogenetic location: 12q12.
Variant type: single nucleotide variant.
Coding change: c.5132G>T on transcript NM_198578.4 (MANE Select); coding-DNA position 5132, G replaced by T.
Protein change: p.Arg1711Leu; replaces arginine 1711 with leucine.
Molecular consequence: missense variant.
Genome position (GRCh38, 1-based): chr12:40,321,150, G>T. VCF-style: chr12-40321150-G-T. GRCh37 (hg19) VCF-style: chr12-40714952-G-T.
Other names: short protein forms R1711L.
Identifiers: ClinVar variation 3540621 (VCV003540621.1).